The following is an entry in ClinVar:

NM_007294.4(BRCA1):c.65_66insTA (p.Leu22fs)

Gene: BRCA1 (BRCA1 DNA repair associated; minus strand). Cytogenetic location: 17q21.31.
Variant type: Insertion.
Coding change: c.65_66insTA on transcript NM_007294.4 (MANE Select); coding-DNA positions 65 to 66, TA inserted.
Protein change: p.Leu22fs; shifts the reading frame from leucine 22.
Molecular consequence: frameshift variant. On other transcripts: 5 prime UTR variant (1), non-coding transcript variant (1).
Genome position: GRCh38 VCF-style: chr17-43124031-T-TTA. GRCh37 (hg19) VCF-style: chr17-41276048-T-TTA.
Other names: c.-124_-123insTA (NM_001407571.1, NM_001407853.1, NM_001407879.1 and 46 more transcripts); c.65_66insTA, p.Leu22Phefs (NM_001407581.1, NM_001407582.1, NM_001407583.1 and 191 more transcripts); c.-193_-192insTA (NM_001407694.1, NM_001407724.1, NM_001407727.1 and 11 more transcripts); c.-197_-196insTA (NM_001407695.1, NM_001408465.1); c.-338_-337insTA (NM_001407696.1); c.-222_-221insTA (NM_001407697.1, NM_001407846.1, NM_001407920.1); c.-23_-22insTA (NM_001407698.1, NM_001407732.1, NM_001407736.1 and 23 more transcripts); c.-196_-195insTA (NM_001407725.1, NM_001407730.1, NM_001407734.1 and 22 more transcripts); and 9 more; short protein forms L22fs.
Identifiers: ClinVar variation 568974 (VCV000568974.9), dbSNP rs1567823254, ClinGen allele CA891843740.

ClinVar aggregate classification (germline): Pathogenic. Review status: criteria provided, single submitter (1 of 4 stars). 2 submissions from 2 submitters: Pathogenic (1). 1 of the submissions does not count toward it. Last evaluated 2021-07-24.

Conditions:
Breast-ovarian cancer, familial, susceptibility to, 1 (BROVCA1). Also called: BRCA1 Hereditary Breast and Ovarian Cancer; OVARIAN CANCER, SUSCEPTIBILITY TO. Identifiers: Orphanet 145, MedGen C2676676, MONDO:0011450, OMIM 604370. Disease mechanism: loss of function.
Hereditary breast ovarian cancer syndrome. Also called: Hereditary breast and ovarian cancer; Hereditary breast and ovarian cancer syndrome; Hereditary breast and ovarian cancer syndrome (HBOC); Breast and ovarian cancer; BRCA1- and BRCA2-Associated Hereditary Breast and Ovarian Cancer; Hereditary breast and/or ovarian cancer syndrome. Identifiers: Orphanet 145, MedGen C0677776, MeSH D061325, MONDO:0003582. Disease mechanism: loss of function.

Submissions (2):

Labcorp Genetics (formerly Invitae), Labcorp
Classification: Pathogenic for Hereditary breast ovarian cancer syndrome. Last evaluated: 2021-07-24. Review status: criteria provided, single submitter. Criteria: Invitae Variant Classification Sherloc (09022015). Collection method: clinical testing. Allele origin: germline.
Comment: This premature translational stop signal has been observed in individual(s) with personal and/or family history of breast and/or ovarian cancer (PMID: 16683254, 22006311). For these reasons, this variant has been classified as Pathogenic. ClinVar contains an entry for this variant (Variation ID: 568974). This variant is not present in population databases (ExAC no frequency). This sequence change creates a premature translational stop signal (p.Leu22Phefs*10) in the BRCA1 gene. It is expected to result in an absent or disrupted protein product. Loss-of-function variants in BRCA1 are known to be pathogenic (PMID: 20104584).

Department of Pathology and Laboratory Medicine, Sinai Health System
Classification: Pathogenic for Breast-ovarian cancer, familial, susceptibility to, 1. Review status: no assertion criteria provided. Collection method: clinical testing. Allele origin: unknown. Affected: yes. Study: The Canadian Open Genetics Repository (COGR). Not counted in ClinVar's aggregate classification.
Comment: The BRCA1 p.Leu22PhefsX10 variant was not identified in the literature, nor was it identified in dbSNP, the 1000 Genomes Project, the NHLBI Exome Sequencing Project, the Exome Aggregation Consortium, the Genome Aggregation Database (Feb 27, 2017), GeneInsight COGR, ClinVar, Clinvitae, COSMIC, MutDB, BRCA Share, BIC, ARUP Laboratories BRCA Mutations Database, the Fanconi Anemia Mutation Database (LOVD) or LOVD-IARC. The c.65_66insTA variant is predicted to cause a frameshift, which alters the protein's amino acid sequence beginning at codon 22 and leads to a premature stop codon 10 codons downstream. This alteration is then predicted to result in a truncated or absent protein and loss of function. Loss of function variants of the BRCA1 gene are an established mechanism of disease in hereditary breast and ovarian cancer and is the type of variant expected to cause the disorder. In summary, based on the above information, this variant meets our laboratoryâ€šÃ„Ã´s criteria to be classified as pathogenic.

Literature cited by the submitters: PubMed 16683254 (cited by Labcorp Genetics (formerly Invitae), Labcorp); PubMed 22006311 (cited by Labcorp Genetics (formerly Invitae), Labcorp); PubMed 20104584 (cited by Labcorp Genetics (formerly Invitae), Labcorp).